The following is an entry in ClinVar:

ClinVar aggregate classification (germline): Uncertain significance (1 of 4 stars; one submission).

Conditions:
Anophthalmia-microphthalmia syndrome. Also called: Anophthalmia - microphthalmia; Anophthalmia/Microphthalmia. Identifiers: Orphanet 98555, MedGen C5680330, MONDO:0020147.

Submission:

Labcorp Genetics (formerly Invitae), Labcorp
Classification: Uncertain significance for Anophthalmia-microphthalmia syndrome. Last evaluated: 2024-09-28. Review status: criteria provided, single submitter. Criteria: Invitae Variant Classification Sherloc (09022015). Collection method: clinical testing. Allele origin: germline.
Comment: This sequence change replaces methionine, which is neutral and non-polar, with isoleucine, which is neutral and non-polar, at codon 171 of the OTX2 protein (p.Met171Ile). This variant is not present in population databases (gnomAD no frequency). This variant has not been reported in the literature in individuals affected with OTX2-related conditions. An algorithm developed to predict the effect of missense changes on protein structure and function (PolyPhen-2) suggests that this variant is likely to be disruptive. In summary, the available evidence is currently insufficient to determine the role of this variant in disease. Therefore, it has been classified as a Variant of Uncertain Significance.

NM_021728.4(OTX2):c.537G>A (p.Met179Ile)

Gene: OTX2 (orthodenticle homeobox 2; minus strand). Cytogenetic location: 14q22.3.
Variant type: single nucleotide variant.
Coding change: c.537G>A on transcript NM_021728.4 (MANE Select); coding-DNA position 537, G replaced by A.
Protein change: p.Met179Ile; replaces methionine 179 with isoleucine.
Molecular consequence: missense variant. On other transcripts: non-coding transcript variant (2).
Genome position (GRCh38, 1-based): chr14:56,802,092, C>T on the plus strand (G>A on the coding strand, the complement: OTX2 is on the minus strand). VCF-style: chr14-56802092-C-T. GRCh37 (hg19) VCF-style: chr14-57268810-C-T.
Other names: c.513G>A, p.Met171Ile (NM_001270523.2, NM_001270524.2, NM_172337.3); c.537G>A, p.Met179Ile (NM_001270525.2); short protein forms M171I, M179I.
Identifiers: ClinVar variation 3606065 (VCV003606065.2).